The following is an entry in ClinVar:

NM_001853.4(COL9A3):c.901-63A>G

Gene: COL9A3 (collagen type IX alpha 3 chain; plus strand). Cytogenetic location: 20q13.33.
Variant type: single nucleotide variant.
Coding change: c.901-63A>G on transcript NM_001853.4 (MANE Select); 63 bases into the intron before coding-DNA position 901, A replaced by G.
Molecular consequence: intron variant.
Genome position (GRCh38, 1-based): chr20:62,828,701, A>G. VCF-style: chr20-62828701-A-G. GRCh37 (hg19) VCF-style: chr20-61460053-A-G.
Identifiers: ClinVar variation 674861 (VCV000674861.2), dbSNP rs2249897, ClinGen allele CA14765346.

ClinVar aggregate classification (germline): Benign. Review status: criteria provided, multiple submitters, no conflicts (2 of 4 stars). 2 submissions from 2 submitters: Benign (2). Last evaluated 2018-06-16.

Allele frequency attached by ClinVar (database versions not stated): 1000 Genomes Project 0.33746; 1000 Genomes Project 30x 0.34588; gnomAD exomes 0.35684; gnomAD 0.39951 and 0.40804; TOPMed 0.39997; ESP Exome Variant Server 0.41082.
gnomAD v4.1: 566,630 of 1,570,830 alleles (36%); highest among the groups gnomAD compares: African/African-American, 56%; 106,107 homozygotes.

Submissions (2):

GeneDx
Classification: Benign. Last evaluated: 2018-06-16. Review status: criteria provided, single submitter. Criteria: GeneDx Variant Classification (06012015). Collection method: clinical testing. Allele origin: germline. Affected: yes.
Comment: This variant is considered likely benign or benign based on one or more of the following criteria: it is a conservative change, it occurs at a poorly conserved position in the protein, it is predicted to be benign by multiple in silico algorithms, and/or has population frequency not consistent with disease.

Breakthrough Genomics
Classification: Benign. Review status: criteria provided, single submitter. Criteria: ACMG Guidelines, 2015. Collection method: not provided. Allele origin: germline. Inheritance: Autosomal recessive inheritance. Affected: yes.